The following is an entry in ClinVar:

NM_022726.4(ELOVL4):c.651C>A (p.Tyr217Ter)

Gene: ELOVL4 (ELOVL fatty acid elongase 4; minus strand). Cytogenetic location: 6q14.1.
Variant type: single nucleotide variant.
Coding change: c.651C>A on transcript NM_022726.4 (MANE Select); coding-DNA position 651, C replaced by A.
Protein change: p.Tyr217Ter; replaces tyrosine 217 with a stop codon.
Molecular consequence: nonsense.
Genome position (GRCh38, 1-based): chr6:79,919,438, G>T on the plus strand (C>A on the coding strand, the complement: ELOVL4 is on the minus strand). VCF-style: chr6-79919438-G-T. GRCh37 (hg19) VCF-style: chr6-80629155-G-T.
Other names: short protein forms Y217*.
Identifiers: ClinVar variation 2858810 (VCV002858810.3), dbSNP rs199860277, ClinGen allele CA364656161.

ClinVar aggregate classification (germline): Uncertain significance (1 of 4 stars; one submission).

Submission:

Labcorp Genetics (formerly Invitae), Labcorp
Classification: Uncertain significance. Last evaluated: 2023-04-24. Review status: criteria provided, single submitter. Criteria: Invitae Variant Classification Sherloc (09022015). Collection method: clinical testing. Allele origin: germline.
Comment: In summary, the available evidence is currently insufficient to determine the role of this variant in disease. Therefore, it has been classified as a Variant of Uncertain Significance. This variant disrupts the C-terminus of the ELOVL4 protein. Other variant(s) that disrupt this region (p.Ile230Metfs*22) have been observed in individuals with ELOVL4-related conditions (PMID: 22100072). This suggests that this may be a clinically significant region of the protein. This variant has not been reported in the literature in individuals affected with ELOVL4-related conditions. This variant is not present in population databases (gnomAD no frequency). This sequence change creates a premature translational stop signal (p.Tyr217*) in the ELOVL4 gene. While this is not anticipated to result in nonsense mediated decay, it is expected to disrupt the last 98 amino acid(s) of the ELOVL4 protein.

Literature cited by the submitters: PubMed 22100072.